The following is an entry in ClinVar:

ClinVar aggregate classification (germline): Pathogenic/Likely pathogenic. Review status: criteria provided, multiple submitters, no conflicts (2 of 4 stars). 3 submissions from 3 submitters: Pathogenic (1); Likely pathogenic (1). 1 of the submissions does not count toward it. Last evaluated 2023-02-14.

Conditions:
Glucose-6-phosphate transport defect (GSD1B). Also called: Glycogen Storage Disease Type Ib; GSD Ib. Identifiers: Orphanet 364, Orphanet 79259, MedGen C0268146, MONDO:0009288, OMIM 232220.

Submissions (3):

Women's Health and Genetics/Laboratory Corporation of America, LabCorp
Classification: Pathogenic for Glucose-6-phosphate transport defect. Last evaluated: 2023-02-14. Review status: criteria provided, single submitter. Criteria: LabCorp Variant Classification Summary - May 2015. Collection method: clinical testing. Allele origin: germline.
Comment: Variant summary: SLC37A4 c.202G>A (p.Gly68Arg) results in a non-conservative amino acid change located in the Major facilitator superfamily domain (IPR020846) of the encoded protein sequence. Two of two in-silico tools predict a damaging effect of the variant on protein function. The variant was absent in 232006 control chromosomes. c.202G>A has been reported in the literature in individuals affected with Glycogen Storage Disease Type Ib. These data indicate that the variant is likely to be associated with disease (Example: Veiga_1998, Beegle_2015, Galli_1999, Jun_2014 et.) . Two publications report experimental evidence indicating a severe decrease in in microsomal G6P activity, 8.1% of Wildtype (Chen_2000, Chen2002). One clinical diagnostic laboratory has submitted clinical-significance assessments for this variant to ClinVar after 2014 without evidence for independent evaluation. One laboratory classified the variant as likely pathogenic. Based on the evidence outlined above, the variant was classified as pathogenic.

Labcorp Genetics (formerly Invitae), Labcorp
Classification: Likely pathogenic for Glucose-6-phosphate transport defect. Last evaluated: 2021-09-08. Review status: criteria provided, single submitter. Criteria: Invitae Variant Classification Sherloc (09022015). Collection method: clinical testing. Allele origin: germline.
Comment: In summary, the currently available evidence indicates that the variant is pathogenic, but additional data are needed to prove that conclusively. Therefore, this variant has been classified as Likely Pathogenic. This sequence change replaces glycine with arginine at codon 68 of the SLC37A4 protein (p.Gly68Arg). The glycine residue is highly conserved and there is a moderate physicochemical difference between glycine and arginine. This variant is not present in population databases (ExAC no frequency). This missense change has been observed in individual(s) with glycogen storage disease (PMID: 9758626, 11949931, 12373566, 15906092). In at least one individual the data is consistent with the variant being in trans (on the opposite chromosome) from a pathogenic variant. This variant is also known as 371G>A. ClinVar contains an entry for this variant (Variation ID: 68275). Algorithms developed to predict the effect of variants on protein structure and function are not available or were not evaluated for this variant. Experimental studies have shown that this missense change affects SLC37A4 function (PMID: 10940311, 12444104).

UniProtKB/Swiss-Prot
No classification provided. Review status: no classification provided. Collection method: not provided. Allele origin: not provided. Not counted in ClinVar's aggregate classification.

Literature cited by the submitters: PubMed 10940311 (cited by Women's Health and Genetics/Laboratory Corporation of America, LabCorp and Labcorp Genetics (formerly Invitae), Labcorp); PubMed 25308557 (cited by Women's Health and Genetics/Laboratory Corporation of America, LabCorp); PubMed 24565827 (cited by Women's Health and Genetics/Laboratory Corporation of America, LabCorp); PubMed 9758626 (cited by Women's Health and Genetics/Laboratory Corporation of America, LabCorp and Labcorp Genetics (formerly Invitae), Labcorp); PubMed 12444104 (cited by Women's Health and Genetics/Laboratory Corporation of America, LabCorp and Labcorp Genetics (formerly Invitae), Labcorp); PubMed 10518030 (cited by Women's Health and Genetics/Laboratory Corporation of America, LabCorp); PubMed 11949931 (cited by Labcorp Genetics (formerly Invitae), Labcorp); PubMed 12373566 (cited by Labcorp Genetics (formerly Invitae), Labcorp); PubMed 15906092 (cited by Labcorp Genetics (formerly Invitae), Labcorp).

NM_001164277.2(SLC37A4):c.202G>A (p.Gly68Arg)

Gene: SLC37A4 (solute carrier family 37 member 4; minus strand). Cytogenetic location: 11q23.3.
Variant type: single nucleotide variant.
Coding change: c.202G>A on transcript NM_001164277.2 (MANE Select); coding-DNA position 202, G replaced by A.
Protein change: p.Gly68Arg; replaces glycine 68 with arginine.
Molecular consequence: missense variant. On other transcripts: 5 prime UTR variant (1).
Genome position (GRCh38, 1-based): chr11:119,028,373, C>T on the plus strand (G>A on the coding strand, the complement: SLC37A4 is on the minus strand). VCF-style: chr11-119028373-C-T. GRCh37 (hg19) VCF-style: chr11-118899083-C-T.
Other names: c.202G>A, p.Gly68Arg (NM_001164278.2, NM_001164280.2, NM_001467.6); c.-18G>A (NM_001164279.2); short protein forms G68R.
Identifiers: ClinVar variation 68275 (VCV000068275.7), dbSNP rs193302885, ClinGen allele CA219300.
Genomic context (GRCh38, chr11:119,028,373, plus strand): 5'-CAACCAGGAGCAGCCCAGAAGAGAAGAGCCAGCGAGCACTCATCTGGTCAGACAGCACCC[C>T]ACTGACAAACTTGCTGATAGCATAAGCTGCCGACTGGCTGCTGGTGATGAACCCTGCAGG-3'
Protein context (NP_001157749.1, residues 58-78): AAYAISKFVS[Gly68Arg]VLSDQMSARW